The following is an entry in ClinVar:

NM_032119.4(ADGRV1):c.5098G>C (p.Asp1700His)

Gene: ADGRV1 (adhesion G protein-coupled receptor V1; plus strand). Cytogenetic location: 5q14.3.
Variant type: single nucleotide variant.
Coding change: c.5098G>C on transcript NM_032119.4 (MANE Select); coding-DNA position 5098, G replaced by C.
Protein change: p.Asp1700His; replaces aspartic acid 1700 with histidine.
Molecular consequence: missense variant. On other transcripts: non-coding transcript variant (1).
Genome position (GRCh38, 1-based): chr5:90,674,222, G>C. VCF-style: chr5-90674222-G-C. GRCh37 (hg19) VCF-style: chr5-89970039-G-C.
Other names: short protein forms D1700H.
Identifiers: ClinVar variation 1409045 (VCV001409045.8), dbSNP rs2149545572, ClinGen allele CA360408501.

ClinVar aggregate classification (germline): Uncertain significance (1 of 4 stars; one submission).

Submission:

Labcorp Genetics (formerly Invitae), Labcorp
Classification: Uncertain significance. Last evaluated: 2025-08-08. Review status: criteria provided, single submitter. Criteria: Invitae Variant Classification Sherloc (09022015). Collection method: clinical testing. Allele origin: germline.
Comment: This sequence change replaces aspartic acid, which is acidic and polar, with histidine, which is basic and polar, at codon 1700 of the ADGRV1 protein (p.Asp1700His). This variant is not present in population databases (gnomAD no frequency). This variant has not been reported in the literature in individuals affected with ADGRV1-related conditions. ClinVar contains an entry for this variant (Variation ID: 1409045). Invitae Evidence Modeling of protein sequence and biophysical properties (such as structural, functional, and spatial information, amino acid conservation, physicochemical variation, residue mobility, and thermodynamic stability) indicates that this missense variant is not expected to disrupt ADGRV1 protein function with a negative predictive value of 95%. In summary, the available evidence is currently insufficient to determine the role of this variant in disease. Therefore, it has been classified as a Variant of Uncertain Significance.